The following is an entry in ClinVar:

NM_005912.3(MC4R):c.473A>G (p.His158Arg)

Gene: MC4R (melanocortin 4 receptor; minus strand). Cytogenetic location: 18q21.32.
Variant type: single nucleotide variant.
Coding change: c.473A>G on transcript NM_005912.3 (MANE Select); coding-DNA position 473, A replaced by G.
Protein change: p.His158Arg; replaces histidine 158 with arginine.
Molecular consequence: missense variant.
Genome position (GRCh38, 1-based): chr18:60,371,877, T>C on the plus strand (A>G on the coding strand, the complement: MC4R is on the minus strand). VCF-style: chr18-60371877-T-C. GRCh37 (hg19) VCF-style: chr18-58039110-T-C.
Other names: short protein forms H158R.
Identifiers: ClinVar variation 3356881 (VCV003356881.3).

ClinVar aggregate classification (germline): Uncertain significance. Review status: criteria provided, multiple submitters, no conflicts (2 of 4 stars). 2 submissions from 2 submitters: Uncertain significance (2). Last evaluated 2025-08-12.

Conditions:
MC4R-related disorder. Also called: MC4R-related condition.
Early onset severe obesity. Identifiers: MedGen C4013980.

Submissions (2):

Cambridge Genomics Laboratory, East Genomic Laboratory Hub, NHS Genomic Medicine Service
Classification: Uncertain significance for Severe early-onset obesity. Last evaluated: 2025-08-12. Review status: criteria provided, single submitter. Criteria: ACGS Best Practice Guidelines for Variant Classification in Rare Disease 2020. Collection method: clinical testing. Allele origin: germline. Affected: yes.

PreventionGenetics, part of Exact Sciences
Classification: Uncertain significance for MC4R-related condition. Last evaluated: 2025-07-24. Review status: criteria provided, single submitter. Criteria: ACMG Guidelines, 2015. Collection method: clinical testing. Allele origin: germline.
Comment: The MC4R c.473A>G variant is predicted to result in the amino acid substitution p.His158Arg. This variant was documented in multiple individuals in population-based cohorts, with at least one individual with a BMI of 28.44 (Table 2, Hinney et al. 2006. PubMed ID: 16492696; Wade et al. 2021. PubMed ID: 34045736). Functional studies showed that this variant is a gain-of-function MC4R variant with increased basal activity in cAMP signaling but reduced MC4R dimer formation (Table 1, Hinney et al. 2006. PubMed ID: 16492696; Figure 5, Piechowski et al. 2013. PubMed ID: 23674133; Table S3, Wade et al. 2021. PubMed ID: 34045736; Figure 7, Paisdzior et al. 2020. PubMed ID: 32059383). It has been considered a non-obesogenic MC4R variant that is constitutively active and associated with overweight status but not obesity (Botha et al. 2023. PubMed ID: 37040537). This variant is reported in 0.0050% of alleles in individuals of East Asian descent in gnomAD. At this time, the clinical significance of this variant is uncertain due to the absence of conclusive functional and genetic evidence.